The following is an entry in ClinVar:

ClinVar aggregate classification (germline): Uncertain significance. Review status: criteria provided, multiple submitters, no conflicts (2 of 4 stars). 3 submissions from 3 submitters: Uncertain significance (3). Last evaluated 2025-12-07.

Conditions:
Inborn genetic diseases. Identifiers: MedGen C0950123, MeSH D030342.

Allele frequency attached by ClinVar (database versions not stated): gnomAD exomes 0.00001; ExAC 0.00002.

Submissions (3):

Ambry Genetics
Classification: Uncertain significance for Inborn genetic diseases. Last evaluated: 2025-12-07. Review status: criteria provided, single submitter. Criteria: Ambry Variant Classification Scheme 2023. Collection method: clinical testing. Allele origin: germline.
Comment: The p.V310I variant (also known as c.928G>A), located in coding exon 7 of the MIB1 gene, results from a G to A substitution at nucleotide position 928. The valine at codon 310 is replaced by isoleucine, an amino acid with highly similar properties. This amino acid position is conserved. In addition, this alteration is predicted to be tolerated by in silico analysis. Based on the available evidence, the clinical significance of this variant remains unclear.

GeneDx
Classification: Uncertain significance. Last evaluated: 2024-06-03. Review status: criteria provided, single submitter. Criteria: GeneDx Variant Classification Process June 2021. Collection method: clinical testing. Allele origin: germline. Affected: yes.
Comment: Not observed at significant frequency in large population cohorts (gnomAD); In silico analysis indicates that this missense variant does not alter protein structure/function; Has not been previously published as pathogenic or benign to our knowledge

Labcorp Genetics (formerly Invitae), Labcorp
Classification: Uncertain significance. Last evaluated: 2021-11-01. Review status: criteria provided, single submitter. Criteria: Invitae Variant Classification Sherloc (09022015). Collection method: clinical testing. Allele origin: germline.
Comment: Algorithms developed to predict the effect of missense changes on protein structure and function are either unavailable or do not agree on the potential impact of this missense change (SIFT: "Deleterious"; PolyPhen-2: "Benign"; Align-GVGD: "Class C0"). In summary, the available evidence is currently insufficient to determine the role of this variant in disease. Therefore, it has been classified as a Variant of Uncertain Significance. This variant has not been reported in the literature in individuals affected with MIB1-related conditions. This sequence change replaces valine, which is neutral and non-polar, with isoleucine, which is neutral and non-polar, at codon 310 of the MIB1 protein (p.Val310Ile). This variant is present in population databases (rs778303386, gnomAD 0.002%).

NM_020774.4(MIB1):c.928G>A (p.Val310Ile)

Gene: MIB1 (MIB E3 ubiquitin protein ligase 1; plus strand). Cytogenetic location: 18q11.2.
Variant type: single nucleotide variant.
Coding change: c.928G>A on transcript NM_020774.4 (MANE Select); coding-DNA position 928, G replaced by A.
Protein change: p.Val310Ile; replaces valine 310 with isoleucine.
Molecular consequence: missense variant.
Genome position (GRCh38, 1-based): chr18:21,791,393, G>A. VCF-style: chr18-21791393-G-A. GRCh37 (hg19) VCF-style: chr18-19371354-G-A.
Other names: c.928G>A (NM_020774.2, NM_020774.3); short protein forms V310I.
Identifiers: ClinVar variation 1424123 (VCV001424123.8), dbSNP rs778303386, ClinGen allele CA8908161.
Genomic context (GRCh38, chr18:21,791,393, plus strand): 5'-AGCAAAGCTACCCATTTTGAGGTTTAGCTTTGCTCTTGTAGGTGGACCTTCAATCCTGCT[G>A]TTCTCACTAAAGCGAACATTGTCCGAAGTGGAGATGCTGCTCAGGGTGCAGAAGGAGGCA-3'
Protein context (NP_065825.1, residues 300-320): SGNRWTFNPA[Val310Ile]LTKANIVRSG